The following is an entry in ClinVar:

ClinVar aggregate classification (germline): Uncertain significance (1 of 4 stars; one submission).

Conditions:
Inborn genetic diseases. Identifiers: MedGen C0950123, MeSH D030342.

Allele frequency attached by ClinVar (database versions not stated): gnomAD 0.00001; gnomAD exomes below 0.00001; TOPMed 0.00002.
gnomAD v4.1: 4 of 1,598,272 alleles (0.00025%); highest among the groups gnomAD compares: African/African-American, 0.004%; no homozygotes.

Submission:

Ambry Genetics
Classification: Uncertain significance for Inborn genetic diseases. Last evaluated: 2026-05-26. Review status: criteria provided, single submitter. Criteria: Ambry Variant Classification Scheme 2023. Collection method: clinical testing. Allele origin: germline.
Comment: The c.1204A>G (p.T402A) alteration is located in exon 9 (coding exon 9) of the SZT2 gene. This alteration results from a A to G substitution at nucleotide position 1204, causing the threonine (T) at amino acid position 402 to be replaced by an alanine (A). Based on data from gnomAD, the G allele has an overall frequency of 0.001% (2/260372) total alleles studied. The highest observed frequency was 0.009% (2/22638) of African alleles. Based on insufficient or conflicting evidence, the clinical significance of this alteration remains unclear.

NM_001365999.1(SZT2):c.1204A>G (p.Thr402Ala)

Gene: SZT2 (SZT2 subunit of KICSTOR complex; plus strand). Cytogenetic location: 1p34.2.
Variant type: single nucleotide variant.
Coding change: c.1204A>G on transcript NM_001365999.1 (MANE Select); coding-DNA position 1204, A replaced by G.
Protein change: p.Thr402Ala; replaces threonine 402 with alanine.
Molecular consequence: missense variant.
Genome position (GRCh38, 1-based): chr1:43,420,266, A>G. VCF-style: chr1-43420266-A-G. GRCh37 (hg19) VCF-style: chr1-43885937-A-G.
Other names: c.1204A>G, p.Thr402Ala (NM_015284.4); short protein forms T402A.
Identifiers: ClinVar variation 3173138 (VCV003173138.2), dbSNP rs956294850, ClinGen allele CA21628852.